The following is an entry in ClinVar:

ClinVar aggregate classification (germline): Uncertain significance (1 of 4 stars; one submission).

Conditions:
Hereditary cancer-predisposing syndrome. Also called: Tumor predisposition; Neoplastic Syndromes, Hereditary; Hereditary Cancer Syndrome; Hereditary neoplastic syndrome. Identifiers: Orphanet 140162, MedGen C0027672, MeSH D009386, MONDO:0015356.

Submission:

Ambry Genetics
Classification: Uncertain significance for Hereditary cancer-predisposing syndrome. Last evaluated: 2021-05-05. Review status: criteria provided, single submitter. Criteria: Ambry Variant Classification Scheme 2023. Collection method: clinical testing. Allele origin: germline.
Comment: The c.3212_3214delATG variant (also known as p.D1071del) is located in coding exon 5 of the MSH6 gene. This variant results from an in-frame ATG deletion at nucleotide positions 3212 to 3214. This results in the in-frame deletion of an aspartic acid at codon 1071. This amino acid position is highly conserved in available vertebrate species. In addition, the in silico prediction for this alteration is inconclusive (Choi Y et al. PLoS ONE. 2012; 7(10):e46688). Since supporting evidence is limited at this time, the clinical significance of this alteration remains unclear.

NM_000179.3(MSH6):c.3212_3214del (p.Asp1071del)

Gene: MSH6 (mutS homolog 6; plus strand). Cytogenetic location: 2p16.3.
Variant type: Deletion.
Coding change: c.3212_3214del on transcript NM_000179.3 (MANE Select); coding-DNA positions 3212 to 3214, 3 bases deleted (ATG; older notation c.3212_3214delATG).
Protein change: p.Asp1071del; deletes aspartic acid 1071.
Molecular consequence: inframe deletion. On other transcripts: inframe indel (36).
Genome position (GRCh38, 1-based): chr2:47,803,459-47,803,461, ATG deleted; deleting any 3 consecutive bases within chr2:47,803,457-47,803,461 gives the same sequence; the c. name uses the placement nearest the transcript's 3' end. VCF-style (leftmost placement, unchanged base first): chr2-47803456-GTGA-G. GRCh37 (hg19) VCF-style: chr2-48030595-GTGA-G.
Other names: c.2822_2824del, p.Asp941del (NM_001281492.2); c.2306_2308del, p.Asp769del (NM_001281493.2, NM_001281494.2); c.3308_3310delATG, p.Asp1103del (NM_001406795.1, NM_001406802.1); c.3212_3214delATG, p.Asp1071del (NM_001406796.1, NM_001406800.1, NM_001406808.1 and 1 more transcripts); c.2915_2917delATG, p.Asp972del (NM_001406797.1, NM_001406801.1, NM_001406805.1 and 10 more transcripts); c.2687_2689delATG, p.Asp896del (NM_001406799.1, NM_001406806.1, NM_001406807.1); c.2348_2350delATG, p.Asp783del (NM_001406803.1); c.3134_3136delATG, p.Asp1045del (NM_001406804.1); and 7 more; short protein forms D386del, D769del, D1015del, D1073del, D896del, D941del, D1045del, D1071del.
Identifiers: ClinVar variation 1728948 (VCV001728948.2), dbSNP rs1558386926, ClinGen allele CA2580066962.